The following continues an entry in ClinVar:

NM_000372.5(TYR):c.832C>T (p.Arg278Ter)

Gene: TYR. ClinVar aggregate classification (germline): Pathogenic. Pathogenic (22).

Submissions 12 to 27 of 27:

Revvity Omics, Revvity
Classification: Pathogenic. Last evaluated: 2022-11-01. Review status: criteria provided, single submitter. Criteria: ACMG Guidelines, 2015. Collection method: clinical testing. Allele origin: germline.

Victorian Clinical Genetics Services, Murdoch Childrens Research Institute
Classification: Pathogenic for Oculocutaneous albinism type 1A. Last evaluated: 2022-02-02. Review status: criteria provided, single submitter. Criteria: ACMG Guidelines, 2015. Collection method: clinical testing. Allele origin: germline. Inheritance: Autosomal recessive inheritance. Affected: yes.
Comment: Based on the classification scheme VCGS_Germline_v1.3.4, this variant is classified as Pathogenic. Following criteria are met: 0102 - Loss of function is a known mechanism of disease in this gene and is associated with oculocutaneous albinism, type IA (MIM#203100) and type IB (MIM#606952). (I) 0106 - This gene is associated with autosomal recessive disease. (I) 0201 - Variant is predicted to cause nonsense-mediated decay (NMD) and loss of protein (premature termination codon is located at least 54 nucleotides upstream of the final exon-exon junction). (SP) 0251 - This variant is heterozygous. (I) 0304 - Variant is present in gnomAD (v2) <0.01 for a recessive condition (48 heterozygotes, 0 homozygotes). (SP) 0701 - Other NMD-predicted variants comparable to the one identified in this case have very strong previous evidence for pathogenicity. There are more than 10 NMD-predicted variants that have been reported as likely pathogenic or pathogenic (ClinVar). (SP) 0801 - This variant has strong previous evidence of pathogenicity in unrelated individuals. This variant has been identified in multiple individuals diagnosed with oculocutaneous albinism (ClinVar; PMIDs: 7902671; 11829136; 22734612; 31199599). (I) Legend: (SP) - Supporting pathogenic, (I) - Information, (SB) - Supporting benign

3billion
Classification: Pathogenic for Oculocutaneous albinism type 1A. Last evaluated: 2022-01-03. Review status: criteria provided, single submitter. Criteria: ACMG Guidelines, 2015. Collection method: clinical testing. Allele origin: germline. Affected: yes. Observed: 1 homozygote.
Comment: Stop-gained (nonsense): predicted to result in a loss or disruption of normal protein function through nonsense-mediated decay (NMD) or protein truncation. Multiple pathogenic variants are reported downstream of the variant (PVS1_VS).The variant has been reported at least twice as pathogenic/likely pathogenic with clinical assertions and evidence for the classification (ClinVar ID: VCV000099583, PMID:7902671, 3billion dataset). It is observed at an extremely low frequency in the gnomAD v2.1.1 dataset (total allele frequency: 0.000170, PM2_M). Therefore, this variant is classified as pathogenic according to the recommendation of ACMG/AMP guideline.

GeneDx
Classification: Pathogenic. Last evaluated: 2021-11-09. Review status: criteria provided, single submitter. Criteria: GeneDx Variant Classification Process June 2021. Collection method: clinical testing. Allele origin: germline. Affected: yes.
Comment: Nonsense variant predicted to result in protein truncation or nonsense mediated decay in a gene for which loss-of-function is a known mechanism of disease; This variant is associated with the following publications: (PMID: 26252096, 16056219, 24721949, 32849781, 23324268, 22734612, 26165494, 15635296, 7902671, 27829221, 16767664, 28771251, 28266639, 16704458, 30487145, 30996339, 31199599, 31077556, 26689913, 10929771, 19865097, 33800529)

Genome-Nilou Lab
Classification: Pathogenic for Oculocutaneous albinism type 1A. Last evaluated: 2021-07-22. Review status: criteria provided, single submitter. Criteria: ACMG Guidelines, 2015. Collection method: clinical testing. Allele origin: germline. Affected: no.

Illumina Laboratory Services, Illumina
Classification: Pathogenic for Oculocutaneous albinism. Last evaluated: 2018-11-01. Review status: criteria provided, single submitter. Criteria: ICSL Variant Classification Criteria 09 May 2019. Collection method: clinical testing. Allele origin: germline.
Comment: The TYR c.832C>T (p.Arg278Ter) variant is a stop-gained variant that is predicted to result in a premature termination of the protein. The p.Arg278Ter variant is a well-documented variant that has been reported in individuals with oculocutaneous albinism (OA) in multiple ethnic groups. Across a selection of the available literature, the p.Arg278Ter variant has been identified in 28 probands in a homozygous state, six probands in a compound heterozygous state, and three probands in a heterozygous state (Tripathi et al. 1993; Gershoni-Baruch et al. 1994; Goto et al. 2004; Sundaresan et al. 2004; Chaki et al. 2005; Renugadevi et al. 2010; Park et al. 2012; Wei et al. 2013; Wang et al. 2015). The p.Arg278Ter variant was absent from 137 control individuals and is reported at a frequency of 0.00115 in the South Asian population of the Exome Aggregation Consortium. Haplotype analysis suggested that p.Arg278Ter may be a founder variant (Chaki et al. 2005; Jaworek et al. 2012). Based on the collective evidence and the potential impact of stop-gained variants, the p.Arg278Ter variant is classified as pathogenic for oculocutaneous albinism. This variant was observed by ICSL as part of a predisposition screen in an ostensibly healthy population.

Fulgent Genetics
Classification: Pathogenic for Oculocutaneous albinism type 1A; SKIN/HAIR/EYE PIGMENTATION 3, LIGHT/DARK SKIN; Oculocutaneous albinism type 1B. Last evaluated: 2018-10-31. Review status: criteria provided, single submitter. Criteria: ACMG Guidelines, 2015. Collection method: clinical testing. Allele origin: unknown.

Eurofins Ntd Llc (ga)
Classification: Pathogenic. Last evaluated: 2017-08-10. Review status: criteria provided, single submitter. Criteria: EGL Classification Definitions 2015. Collection method: clinical testing. Allele origin: germline. Observed: 1 variant allele, 1 homozygote.

Genetic Services Laboratory, University of Chicago
Classification: Pathogenic for Albinism, oculocutaneous, type IA. Last evaluated: 2016-07-25. Review status: criteria provided, single submitter. Criteria: ACMG Guidelines, 2015. Collection method: clinical testing. Allele origin: germline. Affected: yes.

Juno Genomics, Hangzhou Juno Genomics, Inc
Classification: Pathogenic for Oculocutaneous albinism type 1A; Oculocutaneous albinism type 1B. Review status: criteria provided, single submitter. Criteria: ACMG Guidelines, 2015. Collection method: clinical testing. Allele origin: germline. Affected: yes.
Comment: Absent from controls (or at extremely low frequency if recessive) in Genome Aggregation Database, Exome Sequencing Project, 1000 Genomes Project, or Exome Aggregation Consortium.;Null variant in a gene where loss of function (LOF) is a known mechanism of disease.;For recessive disorders, detected in trans with a pathogenic variant.;Patient's phenotype or family history is highly specific for a disease with a single genetic etiology.

Neuberg Centre For Genomic Medicine, NCGM
Classification: Pathogenic for Oculocutaneous albinism type 1A. Review status: criteria provided, single submitter. Criteria: ACMG Guidelines, 2015. Collection method: clinical testing. Allele origin: germline. Inheritance: Autosomal dominant inheritance. Affected: yes.
Comment: This variant is predicted to cause loss of normal protein function through protein truncation. Loss-of-function variants in TYR are known to be pathogenic (Simeonov DR, et al., 2013)

Foundation for Research in Genetics and Endocrinology, FRIGE's Institute of Human Genetics
Classification: Pathogenic for Oculocutaneous albinism type 1A. Last evaluated: 2018-06-19. Review status: no assertion criteria provided. Collection method: clinical testing. Allele origin: germline. Inheritance: Autosomal recessive inheritance. Affected: yes. Observed: 1 variant allele, 1 homozygote. Not counted in ClinVar's aggregate classification.
Comment: The observed variant c.832C>T (p.Arg278Ter) is not reported in 1000 Genomes and its minor allele frequency in ExAC databases is 0.0002. The variant is found to be disease-causing by MutationTaster2. The reference codon is conserved across species. The observed variant has previously been reported in patients affected with oculocutaneous albinism (Wang et al., 2015)

University of Washington Center for Mendelian Genomics, University of Washington
Classification: Likely pathogenic for Nonsyndromic Oculocutaneous Albinism. Last evaluated: 2017-03-07. Review status: no assertion criteria provided. Collection method: research. Allele origin: unknown. Affected: yes. Observed: 12 homozygotes. Not counted in ClinVar's aggregate classification.

Clinical Genetics, Academic Medical Center
Classification: Pathogenic. Review status: no assertion criteria provided. Collection method: clinical testing. Allele origin: germline. Affected: yes. Study: VKGL Data-share Consensus. Not counted in ClinVar's aggregate classification.

Joint Genome Diagnostic Labs from Nijmegen and Maastricht, Radboudumc and MUMC+
Classification: Pathogenic. Review status: no assertion criteria provided. Collection method: clinical testing. Allele origin: germline. Affected: yes. Study: VKGL Data-share Consensus. Not counted in ClinVar's aggregate classification.

Retina International
No classification provided. Review status: no classification provided. Collection method: not provided. Allele origin: unknown. Not counted in ClinVar's aggregate classification.

Literature cited by the submitters: PubMed 39695711 (cited by Kasturba Medical College, Manipal, Kasturba Medical College, Manipal, Manipal Academy of Higher Education, Manipal, India); PubMed 8128955 (cited by Kasturba Medical College, Manipal, Kasturba Medical College, Manipal, Manipal Academy of Higher Education, Manipal, India and Illumina Laboratory Services, Illumina); PubMed 23504663 (cited by Labcorp Genetics (formerly Invitae), Labcorp); PubMed 23324268 (cited by Labcorp Genetics (formerly Invitae), Labcorp and Illumina Laboratory Services, Illumina); PubMed 26165494 (cited by Labcorp Genetics (formerly Invitae), Labcorp and Eurofins Ntd Llc (ga)); PubMed 27829221 (cited by Labcorp Genetics (formerly Invitae), Labcorp and Laboratory for Molecular Medicine, Mass General Brigham Personalized Medicine); PubMed 28266639 (cited by 4 submitters); PubMed 7902671 (cited by 5 submitters); PubMed 23010199 (cited by Women's Health and Genetics/Laboratory Corporation of America, LabCorp); PubMed 28771251 (cited by Laboratory for Molecular Medicine, Mass General Brigham Personalized Medicine); PubMed 30996339 (cited by Laboratory for Molecular Medicine, Mass General Brigham Personalized Medicine); PubMed 31077556 (cited by Laboratory for Molecular Medicine, Mass General Brigham Personalized Medicine); PubMed 31199599 (cited by Laboratory for Molecular Medicine, Mass General Brigham Personalized Medicine and Victorian Clinical Genetics Services, Murdoch Childrens Research Institute); PubMed 32849781 (cited by Laboratory for Molecular Medicine, Mass General Brigham Personalized Medicine); PubMed 11829136 (cited by Victorian Clinical Genetics Services, Murdoch Childrens Research Institute); PubMed 22734612 (cited by Victorian Clinical Genetics Services, Murdoch Childrens Research Institute and Illumina Laboratory Services, Illumina); PubMed 20806075 (cited by Illumina Laboratory Services, Illumina); PubMed 16056219 (cited by Illumina Laboratory Services, Illumina); PubMed 25919014 (cited by Illumina Laboratory Services, Illumina); PubMed 22042571 (cited by Illumina Laboratory Services, Illumina); PubMed 15381243 (cited by Illumina Laboratory Services, Illumina and Eurofins Ntd Llc (ga)); PubMed 15635296 (cited by Illumina Laboratory Services, Illumina).